The following is an entry in ClinVar:

NM_001042492.3(NF1):c.899T>C (p.Leu300Pro)

Gene: NF1 (neurofibromin 1; plus strand). Cytogenetic location: 17q11.2.
Variant type: single nucleotide variant.
Coding change: c.899T>C on transcript NM_001042492.3 (MANE Select); coding-DNA position 899, T replaced by C.
Protein change: p.Leu300Pro; replaces leucine 300 with proline.
Molecular consequence: missense variant.
Genome position (GRCh38, 1-based): chr17:31,200,432, T>C. VCF-style: chr17-31200432-T-C. GRCh37 (hg19) VCF-style: chr17-29527450-T-C.
Other names: c.899T>C, p.Leu300Pro (NM_000267.4, NM_001128147.3); short protein forms L300P.
Identifiers: ClinVar variation 996408 (VCV000996408.6), dbSNP rs2066505649, ClinGen allele CA398995527.
Genomic context (GRCh38, chr17:31,200,432, plus strand): 5'-AATAGAAGAAACTTCATATATTATCTTATCGCTATATTTGAATTCTGTAGAAGTTATTTC[T>C]GGACAGTCTACGAAAAGCTCTTGCTGGCCATGGAGGAAGTAGGCAGCTGACAGAAAGTGC-3'
Protein context (NP_001035957.1, residues 290-310): DENNMNKKLF[Leu300Pro]DSLRKALAGH

ClinVar aggregate classification (germline): Uncertain significance. Review status: criteria provided, multiple submitters, no conflicts (2 of 4 stars). 3 submissions from 3 submitters: Uncertain significance (3). Last evaluated 2025-10-18.

Conditions:
Neurofibromatosis, type 1 (NF1). Also called: Neurofibromatosis, type I; VON RECKLINGHAUSEN DISEASE; NEUROFIBROMATOSIS, TYPE I, SOMATIC; Peripheral type neurofibromatosis. Identifiers: Orphanet 636, MedGen C0027831, MONDO:0018975, OMIM 162200. Disease mechanism: loss of function.

Submissions (3):

Labcorp Genetics (formerly Invitae), Labcorp
Classification: Uncertain significance for Neurofibromatosis, type 1. Last evaluated: 2025-10-18. Review status: criteria provided, single submitter. Criteria: Invitae Variant Classification Sherloc (09022015). Collection method: clinical testing. Allele origin: germline.
Comment: This sequence change replaces leucine, which is neutral and non-polar, with proline, which is neutral and non-polar, at codon 300 of the NF1 protein (p.Leu300Pro). This variant is not present in population databases (gnomAD no frequency). This missense change has been observed in individual(s) with clinical features of NF1-related conditions (PMID: 19221814). ClinVar contains an entry for this variant (Variation ID: 996408). Invitae Evidence Modeling of protein sequence and biophysical properties (such as structural, functional, and spatial information, amino acid conservation, physicochemical variation, residue mobility, and thermodynamic stability) indicates that this missense variant is expected to disrupt NF1 protein function with a positive predictive value of 95%. In summary, the available evidence is currently insufficient to determine the role of this variant in disease. Therefore, it has been classified as a Variant of Uncertain Significance.

GeneDx
Classification: Uncertain significance. Last evaluated: 2024-02-01. Review status: criteria provided, single submitter. Criteria: GeneDx Variant Classification Process June 2021. Collection method: clinical testing. Allele origin: germline. Affected: yes.
Comment: Observed in an individual with neurofibromas and spinal tumors (PMID: 19221814); Not observed at significant frequency in large population cohorts (gnomAD); In silico analysis supports that this missense variant has a deleterious effect on protein structure/function; This variant is associated with the following publications: (PMID: 25525159, 22155606, 19221814)

Genome Diagnostics Laboratory, The Hospital for Sick Children
Classification: Uncertain significance for Neurofibromatosis, type 1. Last evaluated: 2020-10-26. Review status: criteria provided, single submitter. Criteria: ACMG Guidelines, 2015. Collection method: clinical testing. Allele origin: germline. Affected: yes.

Literature cited by the submitters: PubMed 19221814 (cited by Labcorp Genetics (formerly Invitae), Labcorp).